The following is an entry in ClinVar:

ClinVar aggregate classification (germline): Uncertain significance. Review status: criteria provided, multiple submitters, no conflicts (2 of 4 stars). 3 submissions from 3 submitters: Uncertain significance (2). 1 of the submissions does not count toward it. Last evaluated 2025-12-01.

Conditions:
Teratoma. Identifiers: MedGen C0039538, MONDO:0002601, HP:0009792.

Allele frequency attached by ClinVar (database versions not stated): TOPMed 0.00001.

Submissions (3):

CeGaT Center for Human Genetics Tuebingen
Classification: Uncertain significance. Last evaluated: 2025-12-01. Review status: criteria provided, single submitter. Criteria: CeGaT Center For Human Genetics Tuebingen Variant Classification Criteria Version 2. Collection method: clinical testing. Allele origin: germline. Affected: yes. Observed: 1 variant allele.
Comment: IDH2: PM2:Supporting, PP3

Blueprint Genetics
Classification: Uncertain significance. Last evaluated: 2024-05-27. Review status: criteria provided, single submitter. Criteria: ACMG Guidelines, 2015. Collection method: clinical testing. Allele origin: germline.

Molecular ImmunoRheumatology UMRS_1109, Institut national de la santé et de la recherche médicale
Classification: Uncertain significance for Teratoma. Last evaluated: 2023-01-01. Review status: no assertion criteria provided. Collection method: research. Allele origin: somatic. Affected: yes. Not counted in ClinVar's aggregate classification.

NM_002168.4(IDH2):c.1261G>A (p.Gly421Ser)

Gene: IDH2 (isocitrate dehydrogenase (NADP(+)) 2; minus strand). Cytogenetic location: 15q26.1.
Variant type: single nucleotide variant.
Coding change: c.1261G>A on transcript NM_002168.4 (MANE Select); coding-DNA position 1261, G replaced by A.
Protein change: p.Gly421Ser; replaces glycine 421 with serine.
Molecular consequence: missense variant.
Genome position (GRCh38, 1-based): chr15:90,084,826, C>T on the plus strand (G>A on the coding strand, the complement: IDH2 is on the minus strand). VCF-style: chr15-90084826-C-T. GRCh37 (hg19) VCF-style: chr15-90628058-C-T.
Other names: c.1105G>A, p.Gly369Ser (NM_001289910.1); c.871G>A, p.Gly291Ser (NM_001290114.2); short protein forms G291S, G369S, G421S.
Identifiers: ClinVar variation 2498257 (VCV002498257.7), dbSNP rs1023592505, ClinGen allele CA274657989.
Genomic context (GRCh38, chr15:90,084,826, plus strand): 5'-GCTTCCTCCCACATGGCCCCAGGGTCTGCCTACCACCCCAGGCCACGCACTTGCTGAGGC[C>T]GTGAATGCAGCCCGCCAGGTCCTTGGTCATGGCTCCACTCTCCACCGTCTCCACGCACAC-3'
Protein context (NP_002159.2, residues 411-431): MTKDLAGCIH[Gly421Ser]LSNVKLNEHF